The following is an entry in ClinVar:

ClinVar aggregate classification (germline): Uncertain significance (1 of 4 stars; one submission).

Allele frequency attached by ClinVar (database versions not stated): gnomAD 0.00002; ExAC 0.00001; gnomAD exomes 0.00001; TOPMed 0.00002.

Submission:

Labcorp Genetics (formerly Invitae), Labcorp
Classification: Uncertain significance. Last evaluated: 2022-07-11. Review status: criteria provided, single submitter. Criteria: Invitae Variant Classification Sherloc (09022015). Collection method: clinical testing. Allele origin: germline.
Comment: This sequence change affects codon 283 of the SGPL1 mRNA. It is a 'silent' change, meaning that it does not change the encoded amino acid sequence of the SGPL1 protein. In summary, the available evidence is currently insufficient to determine the role of this variant in disease. Therefore, it has been classified as a Variant of Uncertain Significance. Algorithms developed to predict the effect of sequence changes on RNA splicing suggest that this variant may disrupt the consensus splice site. This variant has not been reported in the literature in individuals affected with SGPL1-related conditions. This variant is present in population databases (rs751307695, gnomAD 0.002%).

NM_003901.4(SGPL1):c.849C>T (p.Leu283=)

Gene: SGPL1 (sphingosine-1-phosphate lyase 1; plus strand). Cytogenetic location: 10q22.1.
Variant type: single nucleotide variant.
Coding change: c.849C>T on transcript NM_003901.4 (MANE Select); coding-DNA position 849, C replaced by T.
Protein change: p.Leu283=; no amino-acid change (leucine 283 retained).
Molecular consequence: synonymous variant.
Genome position (GRCh38, 1-based): chr10:70,871,086, C>T. VCF-style: chr10-70871086-C-T. GRCh37 (hg19) VCF-style: chr10-72630843-C-T.
Identifiers: ClinVar variation 2064833 (VCV002064833.4), dbSNP rs751307695, ClinGen allele CA5541319.